The following is an entry in ClinVar:

NM_003998.4(NFKB1):c.919C>G (p.His307Asp)

Gene: NFKB1 (nuclear factor kappa B subunit 1; plus strand). Cytogenetic location: 4q24.
Variant type: single nucleotide variant.
Coding change: c.919C>G on transcript NM_003998.4 (MANE Select); coding-DNA position 919, C replaced by G.
Protein change: p.His307Asp; replaces histidine 307 with aspartic acid.
Molecular consequence: missense variant.
Genome position (GRCh38, 1-based): chr4:102,582,949, C>G. VCF-style: chr4-102582949-C-G. GRCh37 (hg19) VCF-style: chr4-103504106-C-G.
Other names: c.916C>G, p.His306Asp (NM_001165412.2, NM_001319226.2, NM_001382627.1); c.919C>G, p.His307Asp (NM_001382625.1, NM_001382626.1); c.877C>G, p.His293Asp (NM_001382628.1); short protein forms H293D, H307D, H306D.
Identifiers: ClinVar variation 2837203 (VCV002837203.3), dbSNP rs2476436092, ClinGen allele CA357960735.

ClinVar aggregate classification (germline): Uncertain significance (1 of 4 stars; one submission).

Submission:

Labcorp Genetics (formerly Invitae), Labcorp
Classification: Uncertain significance. Last evaluated: 2023-06-01. Review status: criteria provided, single submitter. Criteria: Invitae Variant Classification Sherloc (09022015). Collection method: clinical testing. Allele origin: germline.
Comment: In summary, the available evidence is currently insufficient to determine the role of this variant in disease. Therefore, it has been classified as a Variant of Uncertain Significance. Advanced modeling of protein sequence and biophysical properties (such as structural, functional, and spatial information, amino acid conservation, physicochemical variation, residue mobility, and thermodynamic stability) performed at Invitae indicates that this missense variant is expected to disrupt NFKB1 protein function. This variant has not been reported in the literature in individuals affected with NFKB1-related conditions. This variant is not present in population databases (gnomAD no frequency). This sequence change replaces histidine, which is basic and polar, with aspartic acid, which is acidic and polar, at codon 307 of the NFKB1 protein (p.His307Asp).